The following is an entry in ClinVar:

ClinVar aggregate classification (germline): Uncertain significance (1 of 4 stars; one submission).

Allele frequency attached by ClinVar (database versions not stated): TOPMed below 0.00001; gnomAD 0.00001 and 0.00003; gnomAD exomes 0.00001; ExAC 0.00003.
gnomAD v4.1: 20 of 1,613,150 alleles (0.0012%); highest among the groups gnomAD compares: Middle Eastern, 0.016%; 1 homozygote.

Submission:

Labcorp Genetics (formerly Invitae), Labcorp
Classification: Uncertain significance. Last evaluated: 2024-01-09. Review status: criteria provided, single submitter. Criteria: Invitae Variant Classification Sherloc (09022015). Collection method: clinical testing. Allele origin: germline.
Comment: This sequence change replaces alanine, which is neutral and non-polar, with threonine, which is neutral and polar, at codon 914 of the PRPF6 protein (p.Ala914Thr). This variant is present in population databases (rs538462570, gnomAD 0.005%). This variant has not been reported in the literature in individuals affected with PRPF6-related conditions. ClinVar contains an entry for this variant (Variation ID: 958716). Advanced modeling of protein sequence and biophysical properties (such as structural, functional, and spatial information, amino acid conservation, physicochemical variation, residue mobility, and thermodynamic stability) performed at Invitae indicates that this missense variant is not expected to disrupt PRPF6 protein function with a negative predictive value of 80%. In summary, the available evidence is currently insufficient to determine the role of this variant in disease. Therefore, it has been classified as a Variant of Uncertain Significance.

NM_012469.4(PRPF6):c.2740G>A (p.Ala914Thr)

Gene: PRPF6 (pre-mRNA processing factor 6; plus strand). Cytogenetic location: 20q13.33.
Variant type: single nucleotide variant.
Coding change: c.2740G>A on transcript NM_012469.4 (MANE Select); coding-DNA position 2740, G replaced by A.
Protein change: p.Ala914Thr; replaces alanine 914 with threonine.
Molecular consequence: missense variant.
Genome position (GRCh38, 1-based): chr20:64,032,907, G>A. VCF-style: chr20-64032907-G-A. GRCh37 (hg19) VCF-style: chr20-62664260-G-A.
Other names: short protein forms A914T.
Identifiers: ClinVar variation 958716 (VCV000958716.9), dbSNP rs538462570, ClinGen allele CA9972591.
Genomic context (GRCh38, chr20:64,032,907, plus strand): 5'-CAGGAGGAGGTGAGGAAGCGCTGTGAGAGTGCAGAGCCTCGGCATGGGGAGCTGTGGTGC[G>A]CCGTGTCCAAGGACATCGCCAACTGGCAGAAGAAGATCGGGGACATCCTTAGGCTGGTGG-3'
Protein context (NP_036601.2, residues 904-924): AEPRHGELWC[Ala914Thr]VSKDIANWQK